The following is an entry in ClinVar:

ClinVar aggregate classification (germline): Uncertain significance. Review status: criteria provided, multiple submitters, no conflicts (2 of 4 stars). 2 submissions from 2 submitters: Uncertain significance (2). Last evaluated 2025-11-05.

Conditions:
Inborn genetic diseases. Identifiers: MedGen C0950123, MeSH D030342.
Periodic fever-infantile enterocolitis-autoinflammatory syndrome. Also called: Autoinflammation with infantile enterocolitis. Identifiers: Orphanet 436166, MedGen C4015067, MONDO:0014472, OMIM 616050.
Familial cold autoinflammatory syndrome 4 (FCAS4). Identifiers: Orphanet 47045, Orphanet 576349, MedGen C4015276, MONDO:0014498, OMIM 616115.

Allele frequency attached by ClinVar (database versions not stated): gnomAD exomes below 0.00001.
gnomAD v4.1: 1 of 1,614,196 alleles (0.000062%); highest among the groups gnomAD compares: Non-Finnish European, 0.000085%; no homozygotes.

Submissions (2):

Ambry Genetics
Classification: Uncertain significance for Inborn genetic diseases. Last evaluated: 2025-11-05. Review status: criteria provided, single submitter. Criteria: Ambry Variant Classification Scheme 2023. Collection method: clinical testing. Allele origin: germline.

Labcorp Genetics (formerly Invitae), Labcorp
Classification: Uncertain significance for Periodic fever-infantile enterocolitis-autoinflammatory syndrome; Familial cold autoinflammatory syndrome 4. Last evaluated: 2025-05-13. Review status: criteria provided, single submitter. Criteria: Invitae Variant Classification Sherloc (09022015). Collection method: clinical testing. Allele origin: germline.
Comment: This sequence change replaces leucine, which is neutral and non-polar, with valine, which is neutral and non-polar, at codon 212 of the NLRC4 protein (p.Leu212Val). This variant is not present in population databases (gnomAD no frequency). This variant has not been reported in the literature in individuals affected with NLRC4-related conditions. ClinVar contains an entry for this variant (Variation ID: 1990290). Invitae Evidence Modeling of protein sequence and biophysical properties (such as structural, functional, and spatial information, amino acid conservation, physicochemical variation, residue mobility, and thermodynamic stability) has been performed for this missense variant. However, the output from this modeling did not meet the statistical confidence thresholds required to predict the impact of this variant on NLRC4 protein function. In summary, the available evidence is currently insufficient to determine the role of this variant in disease. Therefore, it has been classified as a Variant of Uncertain Significance.

NM_001199138.2(NLRC4):c.634C>G (p.Leu212Val)

Gene: NLRC4 (NLR family CARD domain containing 4; minus strand). Cytogenetic location: 2p22.3.
Variant type: single nucleotide variant.
Coding change: c.634C>G on transcript NM_001199138.2 (MANE Select); coding-DNA position 634, C replaced by G.
Protein change: p.Leu212Val; replaces leucine 212 with valine.
Molecular consequence: missense variant. On other transcripts: intron variant (1).
Genome position (GRCh38, 1-based): chr2:32,251,230, G>C on the plus strand (C>G on the coding strand, the complement: NLRC4 is on the minus strand). VCF-style: chr2-32251230-G-C. GRCh37 (hg19) VCF-style: chr2-32476299-G-C.
Other names: c.634C>G, p.Leu212Val (NM_001199139.2, NM_021209.5); c.262+1189C>G (NM_001302504.1); short protein forms L212V.
Identifiers: ClinVar variation 1990290 (VCV001990290.5), dbSNP rs2466763123, ClinGen allele CA346514733.